The following is an entry in ClinVar:

ClinVar aggregate classification (germline): Likely benign (1 of 4 stars; one submission).

Allele frequency attached by ClinVar (database versions not stated): TOPMed below 0.00001.

Submission:

CeGaT Center for Human Genetics Tuebingen
Classification: Likely benign. Last evaluated: 2023-01-01. Review status: criteria provided, single submitter. Criteria: CeGaT Center For Human Genetics Tuebingen Variant Classification Criteria Version 2. Collection method: clinical testing. Allele origin: germline. Affected: yes. Observed: 1 variant allele.
Comment: DNM2: PM2:Supporting, BP4, BP7

NM_001005361.3(DNM2):c.1236T>C (p.Ile412=)

Gene: DNM2 (dynamin 2; plus strand). Cytogenetic location: 19p13.2.
Variant type: single nucleotide variant.
Coding change: c.1236T>C on transcript NM_001005361.3 (MANE Select); coding-DNA position 1236, T replaced by C.
Protein change: p.Ile412=; no amino-acid change (isoleucine 412 retained).
Molecular consequence: synonymous variant. On other transcripts: intron variant (3).
Genome position (GRCh38, 1-based): chr19:10,797,419, T>C. VCF-style: chr19-10797419-T-C. GRCh37 (hg19) VCF-style: chr19-10908095-T-C.
Other names: c.1236T>C, p.Ile412= (NM_001005362.3); c.1336-1067T>C (NM_001005360.3, NM_001190716.2, NM_004945.4).
Identifiers: ClinVar variation 2649303 (VCV002649303.24), dbSNP rs2071976059, ClinGen allele CA505497488.